The following is an entry in ClinVar:

NM_000399.5(EGR2):c.1430G>C (p.Ter477Ser)

Gene: EGR2 (early growth response 2; minus strand). Cytogenetic location: 10q21.3.
Variant type: single nucleotide variant.
Coding change: c.1430G>C on transcript NM_000399.5 (MANE Select); coding-DNA position 1430, G replaced by C.
Protein change: p.Ter477Ser.
Molecular consequence: stop lost.
Genome position (GRCh38, 1-based): chr10:62,813,208, C>G on the plus strand (G>C on the coding strand, the complement: EGR2 is on the minus strand). VCF-style: chr10-62813208-C-G. GRCh37 (hg19) VCF-style: chr10-64572968-C-G.
Other names: c.1430G>C, p.Ter477Ser (NM_001136177.3, NM_001136178.2); c.1280G>C, p.Ter427Ser (NM_001136179.3, NM_001321037.2); c.1469G>C, p.Ter490Ser (NM_001410931.1).
Identifiers: ClinVar variation 2988561 (VCV002988561.3), dbSNP rs1219747226, ClinGen allele CA377026776.

ClinVar aggregate classification (germline): Uncertain significance (1 of 4 stars; one submission).

Conditions:
Charcot-Marie-Tooth disease, type I (CMT1). Also called: Charcot-Marie-Tooth disease type 1; Charcot-Marie-Tooth, Type 1. Identifiers: Orphanet 65753, MedGen C0751036, MONDO:0019011.

Allele frequency attached by ClinVar (database versions not stated): gnomAD exomes below 0.00001; TOPMed below 0.00001; gnomAD 0.00001.

Submission:

Labcorp Genetics (formerly Invitae), Labcorp
Classification: Uncertain significance for Charcot-Marie-Tooth disease, type I. Last evaluated: 2023-04-26. Review status: criteria provided, single submitter. Criteria: Invitae Variant Classification Sherloc (09022015). Collection method: clinical testing. Allele origin: germline.
Comment: This sequence change disrupts the translational stop signal of the EGR2 mRNA. It is expected to extend the length of the EGR2 protein by 63 additional amino acid residues. The frequency data for this variant in the population databases is considered unreliable, as metrics indicate poor data quality at this position in the gnomAD database. This variant has not been reported in the literature in individuals affected with EGR2-related conditions. In summary, the available evidence is currently insufficient to determine the role of this variant in disease. Therefore, it has been classified as a Variant of Uncertain Significance.